The following is an entry in ClinVar:

NM_000548.5(TSC2):c.3340T>G (p.Ser1114Ala)

Gene: TSC2 (TSC complex subunit 2; plus strand). Cytogenetic location: 16p13.3.
Variant type: single nucleotide variant.
Coding change: c.3340T>G on transcript NM_000548.5 (MANE Select); coding-DNA position 3340, T replaced by G.
Protein change: p.Ser1114Ala; replaces serine 1114 with alanine.
Molecular consequence: missense variant.
Genome position (GRCh38, 1-based): chr16:2,079,612, T>G. VCF-style: chr16-2079612-T-G. GRCh37 (hg19) VCF-style: chr16-2129613-T-G.
Other names: c.3208T>G, p.Ser1070Ala (NM_001077183.3, NM_001370404.1, NM_001406665.1); c.3340T>G, p.Ser1114Ala (NM_001114382.3); c.3100T>G, p.Ser1034Ala (NM_001318827.2); c.3064T>G, p.Ser1022Ala (NM_001318829.2); c.2608T>G, p.Ser870Ala (NM_001318831.2, NM_001406687.1, NM_001406688.1); c.3241T>G, p.Ser1081Ala (NM_001318832.2); c.3211T>G, p.Ser1071Ala (NM_001363528.2, NM_001370405.1, NM_021055.3); c.3337T>G, p.Ser1113Ala (NM_001406663.1, NM_001406664.1); and 18 more; short protein forms S1021A, S1022A, S1033A, S1034A, S1051A, S1064A, S1065A, S1066A.
Identifiers: ClinVar variation 1721458 (VCV001721458.6), dbSNP rs2151446011, ClinGen allele CA394286627.

ClinVar aggregate classification (germline): Uncertain significance (1 of 4 stars; one submission).

Conditions:
Tuberous sclerosis 2 (TSC2). Identifiers: Orphanet 805, MedGen C1860707, MONDO:0013199, OMIM 613254.

Submission:

Labcorp Genetics (formerly Invitae), Labcorp
Classification: Uncertain significance for Tuberous sclerosis 2. Last evaluated: 2025-01-06. Review status: criteria provided, single submitter. Criteria: Invitae Variant Classification Sherloc (09022015). Collection method: clinical testing. Allele origin: germline.
Comment: This sequence change replaces serine, which is neutral and polar, with alanine, which is neutral and non-polar, at codon 1114 of the TSC2 protein (p.Ser1114Ala). This variant is not present in population databases (gnomAD no frequency). This variant has not been reported in the literature in individuals affected with TSC2-related conditions. ClinVar contains an entry for this variant (Variation ID: 1721458). Invitae Evidence Modeling of protein sequence and biophysical properties (such as structural, functional, and spatial information, amino acid conservation, physicochemical variation, residue mobility, and thermodynamic stability) indicates that this missense variant is not expected to disrupt TSC2 protein function with a negative predictive value of 95%. In summary, the available evidence is currently insufficient to determine the role of this variant in disease. Therefore, it has been classified as a Variant of Uncertain Significance.